The following is an entry in ClinVar:

NM_021224.6(ZNF462):c.465C>T (p.His155=)

Gene: ZNF462 (zinc finger protein 462; plus strand). Cytogenetic location: 9q31.2.
Variant type: single nucleotide variant.
Coding change: c.465C>T on transcript NM_021224.6 (MANE Select); coding-DNA position 465, C replaced by T.
Protein change: p.His155=; no amino-acid change (histidine 155 retained).
Molecular consequence: synonymous variant.
Genome position (GRCh38, 1-based): chr9:106,924,377, C>T. VCF-style: chr9-106924377-C-T. GRCh37 (hg19) VCF-style: chr9-109686658-C-T.
Other names: c.465C>T, p.His155= (NM_001347997.2).
Identifiers: ClinVar variation 3044979 (VCV003044979.2), dbSNP rs751537020, ClinGen allele CA5171160.

ClinVar aggregate classification (germline): Likely benign (0 of 4 stars; one submission).

Conditions:
ZNF462-related disorder. Also called: ZNF462-related condition; ZNF462 related disease.

Allele frequency attached by ClinVar (database versions not stated): ExAC 0.00003; gnomAD 0.00005; TOPMed 0.00005; gnomAD exomes 0.00008.
gnomAD v4.1: 129 of 1,613,972 alleles (0.008%); highest among the groups gnomAD compares: Non-Finnish European, 0.0097%; no homozygotes.

Submission:

PreventionGenetics, part of Exact Sciences
Classification: Likely benign for ZNF462-related condition. Last evaluated: 2019-06-06. Review status: no assertion criteria provided. Collection method: clinical testing. Allele origin: germline.
Comment: This variant is classified as likely benign based on ACMG/AMP sequence variant interpretation guidelines (Richards et al. 2015 PMID: 25741868, with internal and published modifications).